The following is an entry in ClinVar:

ClinVar aggregate classification (germline): Uncertain significance (1 of 4 stars; one submission).

Submission:

CeGaT Center for Human Genetics Tuebingen
Classification: Uncertain significance. Last evaluated: 2026-01-01. Review status: criteria provided, single submitter. Criteria: CeGaT Center For Human Genetics Tuebingen Variant Classification Criteria Version 2. Collection method: clinical testing. Allele origin: germline. Affected: yes. Observed: 1 variant allele.
Comment: NRXN3: PM2, PP3

NM_001330195.2(NRXN3):c.1819T>A (p.Tyr607Asn)

Gene: NRXN3 (neurexin 3; plus strand). Cytogenetic location: 14q24.3.
Variant type: single nucleotide variant.
Coding change: c.1819T>A on transcript NM_001330195.2 (MANE Select); coding-DNA position 1819, T replaced by A.
Protein change: p.Tyr607Asn; replaces tyrosine 607 with asparagine.
Molecular consequence: missense variant. On other transcripts: non-coding transcript variant (4).
Genome position (GRCh38, 1-based): chr14:78,714,914, T>A. VCF-style: chr14-78714914-T-A. GRCh37 (hg19) VCF-style: chr14-79181257-T-A.
Other names: c.1819T>A, p.Tyr607Asn (NM_001366425.1); c.1831T>A, p.Tyr611Asn (NM_001366426.1); c.700T>A, p.Tyr234Asn (NM_004796.6); short protein forms Y234N, Y607N, Y611N.
Identifiers: ClinVar variation 4822914 (VCV004822914.4).